The following is an entry in ClinVar:

NM_183050.4(BCKDHB):c.790G>A (p.Glu264Lys)

Gene: BCKDHB (branched chain keto acid dehydrogenase E1 subunit beta; plus strand). Cytogenetic location: 6q14.1.
Variant type: single nucleotide variant.
Coding change: c.790G>A on transcript NM_183050.4 (MANE Select); coding-DNA position 790, G replaced by A.
Protein change: p.Glu264Lys; replaces glutamic acid 264 with lysine.
Molecular consequence: missense variant. On other transcripts: non-coding transcript variant (1).
Genome position (GRCh38, 1-based): chr6:80,200,981, G>A. VCF-style: chr6-80200981-G-A. GRCh37 (hg19) VCF-style: chr6-80910698-G-A.
Other names: c.790G>A, p.Glu264Lys (NM_000056.5); c.580G>A, p.Glu194Lys (NM_001318975.1); short protein forms E264K, E194K.
Identifiers: ClinVar variation 2155529 (VCV002155529.4), dbSNP rs933828560, ClinGen allele CA142287565.

ClinVar aggregate classification (germline): Uncertain significance. Review status: criteria provided, multiple submitters, no conflicts (2 of 4 stars). 2 submissions from 2 submitters: Uncertain significance (2). Last evaluated 2025-09-02.

Conditions:
Maple syrup urine disease type 1B (MSUD1B). Also called: MSUD type IB; MSUD type 3 (formerly); MSUD due to deficiency of e1-beta subunit of branched-chain alpha-keto acid dehydrogenase complex. Identifiers: MedGen C2930990, MONDO:0023692, OMIM 620698.
Maple syrup urine disease (MSUD). Identifiers: Orphanet 511, MedGen C0024776, MeSH D008375, MONDO:0009563. Disease mechanism: loss of function.

Allele frequency attached by ClinVar (database versions not stated): gnomAD exomes below 0.00001; gnomAD 0.00001; TOPMed 0.00001.
gnomAD v4.1: 5 of 1,612,814 alleles (0.00031%); highest among the groups gnomAD compares: African/African-American, 0.0013%; no homozygotes.

Submissions (2):

Myriad Genetics, Inc.
Classification: Uncertain significance for Maple syrup urine disease type 1B. Last evaluated: 2025-09-02. Review status: criteria provided, single submitter. Criteria: Myriad Autosomal Dominant, Autosomal Recessive and X-Linked Classification Criteria (2023). Collection method: clinical testing. Allele origin: unknown.
Comment: NM_183050.2(BCKDHB):c.790G>A(E264K) is a missense variant classified as a variant of uncertain significance in the context of maple syrup urine disease type Ib. E264K has been observed in cases with relevant disease (PMID: Park_2015_(Abstract)). Relevant functional assessments of this variant are not available in the literature. E264K has not been observed in referenced population frequency databases. In summary, there is insufficient evidence to classify NM_183050.2(BCKDHB):c.790G>A(E264K) as pathogenic or benign. Please note: this variant was assessed in the context of healthy population screening.

Labcorp Genetics (formerly Invitae), Labcorp
Classification: Uncertain significance for Maple syrup urine disease. Last evaluated: 2025-02-20. Review status: criteria provided, single submitter. Criteria: Invitae Variant Classification Sherloc (09022015). Collection method: clinical testing. Allele origin: germline.
Comment: This sequence change replaces glutamic acid, which is acidic and polar, with lysine, which is basic and polar, at codon 264 of the BCKDHB protein (p.Glu264Lys). This variant is present in population databases (no rsID available, gnomAD 0.01%). This missense change has been observed in individual(s) with maple syrup urine disease (internal data). ClinVar contains an entry for this variant (Variation ID: 2155529). Invitae Evidence Modeling of protein sequence and biophysical properties (such as structural, functional, and spatial information, amino acid conservation, physicochemical variation, residue mobility, and thermodynamic stability) indicates that this missense variant is not expected to disrupt BCKDHB protein function with a negative predictive value of 80%. In summary, the available evidence is currently insufficient to determine the role of this variant in disease. Therefore, it has been classified as a Variant of Uncertain Significance.